The following is an entry in ClinVar:

NM_000219.6(KCNE1):c.266A>T (p.Glu89Val)

Gene: KCNE1 (potassium voltage-gated channel subfamily E regulatory subunit 1; minus strand). Cytogenetic location: 21q22.12.
Variant type: single nucleotide variant.
Coding change: c.266A>T on transcript NM_000219.6 (MANE Select); coding-DNA position 266, A replaced by T.
Protein change: p.Glu89Val; replaces glutamic acid 89 with valine.
Molecular consequence: missense variant.
Genome position (GRCh38, 1-based): chr21:34,449,369, T>A on the plus strand (A>T on the coding strand, the complement: KCNE1 is on the minus strand). VCF-style: chr21-34449369-T-A. GRCh37 (hg19) VCF-style: chr21-35821667-T-A.
Other names: c.266A>T, p.Glu89Val (NM_001127668.4, NM_001127669.4, NM_001127670.4 and 4 more transcripts); short protein forms E89V.
Identifiers: ClinVar variation 3374483 (VCV003374483.2).

Conditions:
Long QT syndrome 5 (LQT5). Identifiers: Orphanet 101016, Orphanet 768, MedGen C1867904, MONDO:0013372, OMIM 613695.

Submission:

Roden Lab, Vanderbilt University Medical Center
No classification provided (evidence only). Condition: Long QT syndrome 5. Review status: no classification provided. Collection method: in vitro. Allele origin: not applicable. Functional consequence: Effect on ion channel function.
ClinVar note: "not provided" was previously submitted as the classification for the variant. However, the classification appeared to be based only on an observation of functional data so it was converted to no classification on 2025-07-30.